The following is an entry in ClinVar:

NM_032242.4(PLXNA1):c.4170C>G (p.Ala1390=)

Gene: PLXNA1 (plexin A1; plus strand). Cytogenetic location: 3q21.3.
Variant type: single nucleotide variant.
Coding change: c.4170C>G on transcript NM_032242.4 (MANE Select); coding-DNA position 4170, C replaced by G.
Protein change: p.Ala1390=; no amino-acid change (alanine 1390 retained).
Molecular consequence: synonymous variant.
Genome position (GRCh38, 1-based): chr3:127,022,216, C>G. VCF-style: chr3-127022216-C-G. GRCh37 (hg19) VCF-style: chr3-126741059-C-G.
Identifiers: ClinVar variation 3356175 (VCV003356175.1).

ClinVar aggregate classification (germline): Likely benign (0 of 4 stars; one submission).

Conditions:
PLXNA1-related disorder. Also called: PLXNA1-related condition.

gnomAD v4.1: 23 of 1,613,340 alleles (0.0014%); highest among the groups gnomAD compares: Non-Finnish European, 0.0019%; no homozygotes.

Submission:

PreventionGenetics, part of Exact Sciences
Classification: Likely benign for PLXNA1-related condition. Last evaluated: 2023-08-30. Review status: no assertion criteria provided. Collection method: clinical testing. Allele origin: germline.
Comment: This variant is classified as likely benign based on ACMG/AMP sequence variant interpretation guidelines (Richards et al. 2015 PMID: 25741868, with internal and published modifications).